The following is an entry in ClinVar:

NM_001374623.1(PNPLA1):c.383C>T (p.Thr128Met)

Gene: PNPLA1 (patatin like domain 1, omega-hydroxyceramide transacylase; plus strand). Cytogenetic location: 6p21.31.
Variant type: single nucleotide variant.
Coding change: c.383C>T on transcript NM_001374623.1 (MANE Select); coding-DNA position 383, C replaced by T.
Protein change: p.Thr128Met; replaces threonine 128 with methionine.
Molecular consequence: missense variant.
Genome position (GRCh38, 1-based): chr6:36,291,497, C>T. VCF-style: chr6-36291497-C-T. GRCh37 (hg19) VCF-style: chr6-36259274-C-T.
Other names: c.98C>T, p.Thr33Met (NM_001145716.2, NM_173676.2); c.383C>T, p.Thr128Met (NM_001145717.1); short protein forms T33M, T128M.
Identifiers: ClinVar variation 444682 (VCV000444682.57), dbSNP rs140585347, ClinGen allele CA3777667.

ClinVar aggregate classification (germline): Conflicting classifications of pathogenicity. Review status: criteria provided, conflicting classifications (1 of 4 stars). 4 submissions from 4 submitters: Uncertain significance (1); Likely benign (2). 1 of the submissions does not count toward it. Last evaluated 2026-02-04.

Conditions:
PNPLA1-related disorder. Also called: PNPLA1-related condition.
Autosomal recessive congenital ichthyosis 10 (ARCI10). Identifiers: Orphanet 79394, MedGen C3554355, MONDO:0014011, OMIM 615024.

Allele frequency attached by ClinVar (database versions not stated): gnomAD exomes 0.00119; ExAC 0.00127; 1000 Genomes Project 0.00160; 1000 Genomes Project 30x 0.00172; TOPMed 0.00274; gnomAD 0.00285 and 0.00290; ESP Exome Variant Server 0.00346.
gnomAD v4.1: 1,357 of 1,431,424 alleles (0.095%); highest among the groups gnomAD compares: African/African-American, 0.76%; 4 homozygotes.

Submissions (4):

Labcorp Genetics (formerly Invitae), Labcorp
Classification: Likely benign. Last evaluated: 2026-02-04. Review status: criteria provided, single submitter. Criteria: Invitae Variant Classification Sherloc (09022015). Collection method: clinical testing. Allele origin: germline.

Illumina Laboratory Services, Illumina
Classification: Likely benign for Autosomal recessive congenital ichthyosis 10. Last evaluated: 2018-01-12. Review status: criteria provided, single submitter. Criteria: ICSL Variant Classification Criteria 13 December 2019. Collection method: clinical testing. Allele origin: germline.
Comment: This variant was observed in the ICSL laboratory as part of a predisposition screen in an ostensibly healthy population. It had not been previously curated by ICSL or reported in the Human Gene Mutation Database (HGMD: prior to June 1st, 2018), and was therefore a candidate for classification through an automated scoring system. Utilizing variant allele frequency, disease prevalence and penetrance estimates, and inheritance mode, an automated score was calculated to assess if this variant is too frequent to cause the disease. Based on the score and internal cut-off values, a variant classified as likely benign is not then subjected to further curation. The score for this variant resulted in a classification of likely benign for this disease.

CeGaT Center for Human Genetics Tuebingen
Classification: Uncertain significance. Last evaluated: 2017-05-01. Review status: criteria provided, single submitter. Criteria: CeGaT Center For Human Genetics Tuebingen Variant Classification Criteria Version 2. Collection method: clinical testing. Allele origin: germline. Affected: yes. Observed: 1 variant allele.

PreventionGenetics, part of Exact Sciences
Classification: Benign for PNPLA1-related condition. Last evaluated: 2019-07-17. Review status: no assertion criteria provided. Collection method: clinical testing. Allele origin: germline. Not counted in ClinVar's aggregate classification.
Comment: This variant is classified as benign based on ACMG/AMP sequence variant interpretation guidelines (Richards et al. 2015 PMID: 25741868, with internal and published modifications).